The following is an entry in ClinVar:

NM_005529.7(HSPG2):c.3125A>G (p.His1042Arg)

Gene: HSPG2 (heparan sulfate proteoglycan 2; minus strand). Cytogenetic location: 1p36.12.
Variant type: single nucleotide variant.
Coding change: c.3125A>G on transcript NM_005529.7 (MANE Select); coding-DNA position 3125, A replaced by G.
Protein change: p.His1042Arg; replaces histidine 1042 with arginine.
Molecular consequence: missense variant.
Genome position (GRCh38, 1-based): chr1:21,875,921, T>C on the plus strand (A>G on the coding strand, the complement: HSPG2 is on the minus strand). VCF-style: chr1-21875921-T-C. GRCh37 (hg19) VCF-style: chr1-22202414-T-C.
Other names: c.3128A>G, p.His1043Arg (NM_001291860.2); short protein forms H1042R, H1043R.
Identifiers: ClinVar variation 1986107 (VCV001986107.2), dbSNP rs752976298, ClinGen allele CA672765.

ClinVar aggregate classification (germline): Uncertain significance (1 of 4 stars; one submission).

Allele frequency attached by ClinVar (database versions not stated): gnomAD 0.00001; TOPMed 0.00001; ExAC 0.00002.
gnomAD v4.1: 29 of 1,614,174 alleles (0.0018%); highest among the groups gnomAD compares: South Asian, 0.026%; no homozygotes.

Submission:

Labcorp Genetics (formerly Invitae), Labcorp
Classification: Uncertain significance. Last evaluated: 2024-05-13. Review status: criteria provided, single submitter. Criteria: Invitae Variant Classification Sherloc (09022015). Collection method: clinical testing. Allele origin: germline.
Comment: This sequence change replaces histidine, which is basic and polar, with arginine, which is basic and polar, at codon 1042 of the HSPG2 protein (p.His1042Arg). This variant is present in population databases (rs752976298, gnomAD 0.02%). This variant has not been reported in the literature in individuals affected with HSPG2-related conditions. ClinVar contains an entry for this variant (Variation ID: 1986107). An algorithm developed to predict the effect of missense changes on protein structure and function (PolyPhen-2) suggests that this variant¬†is likely to be tolerated. In summary, the available evidence is currently insufficient to determine the role of this variant in disease. Therefore, it has been classified as a Variant of Uncertain Significance.